The following is an entry in ClinVar:

ClinVar aggregate classification (germline): Uncertain significance. Review status: criteria provided, multiple submitters, no conflicts (2 of 4 stars). 2 submissions from 2 submitters: Uncertain significance (2). Last evaluated 2024-10-29.

Submissions (2):

Ambry Genetics
Classification: Uncertain significance. Last evaluated: 2024-10-29. Review status: criteria provided, single submitter. Criteria: Ambry Variant Classification Scheme 2023. Collection method: clinical testing. Allele origin: germline.
Comment: The p.G178D variant (also known as c.533G>A), located in coding exon 6 of the FAM175A gene, results from a G to A substitution at nucleotide position 533. The glycine at codon 178 is replaced by aspartic acid, an amino acid with similar properties. This amino acid position is conserved. In addition, the in silico prediction for this alteration is inconclusive. Based on the available evidence, the clinical significance of this variant remains unclear.

Women's Health and Genetics/Laboratory Corporation of America, LabCorp
Classification: Uncertain significance. Last evaluated: 2019-07-05. Review status: criteria provided, single submitter. Criteria: LabCorp Variant Classification Summary - May 2015. Collection method: clinical testing. Allele origin: germline.
Comment: Variant summary: FAM175A c.533G>A (p.Gly178Asp) results in a non-conservative amino acid change in the encoded protein sequence. Three of five in-silico tools predict a damaging effect of the variant on protein function. The variant was absent in 251448 control chromosomes. The available data on variant occurrences in the general population are insufficient to allow any conclusion about variant significance. To our knowledge, no occurrence of c.533G>A in individuals affected with Hereditary Breast and Ovarian Cancer and no experimental evidence demonstrating its impact on protein function have been reported. No clinical diagnostic laboratories have submitted clinical-significance assessments for this variant to ClinVar after 2014. Based on the evidence outlined above, the variant was classified as uncertain significance.

NM_139076.3(ABRAXAS1):c.533G>A (p.Gly178Asp)

Gene: ABRAXAS1 (abraxas 1, BRCA1 A complex subunit; minus strand). Cytogenetic location: 4q21.23.
Variant type: single nucleotide variant.
Coding change: c.533G>A on transcript NM_139076.3 (MANE Select); coding-DNA position 533, G replaced by A.
Protein change: p.Gly178Asp; replaces glycine 178 with aspartic acid.
Molecular consequence: missense variant.
Genome position (GRCh38, 1-based): chr4:83,469,095, C>T on the plus strand (G>A on the coding strand, the complement: ABRAXAS1 is on the minus strand). VCF-style: chr4-83469095-C-T. GRCh37 (hg19) VCF-style: chr4-84390248-C-T.
Other names: c.206G>A, p.Gly69Asp (NM_001345962.2); short protein forms G178D, G69D.
Identifiers: ClinVar variation 929255 (VCV000929255.2), dbSNP rs773434048, ClinGen allele CA357259532.